The following is an entry in ClinVar:

ClinVar aggregate classification (germline): Uncertain significance (1 of 4 stars; one submission).

Conditions:
Distal myopathy with posterior leg and anterior hand involvement. Also called: WILLIAMS DISTAL MYOPATHY. Identifiers: Orphanet 63273, MedGen C3279722, MONDO:0013550, OMIM 614065.
Hypertrophic cardiomyopathy 26. Also called: Cardiomyopathy, familial hypertrophic, 26. Identifiers: Orphanet 75249, MedGen C4310749, MONDO:0014883, OMIM 617047.
Myofibrillar myopathy 5. Also called: Filaminopathy (type); FILAMINOPATHY, AUTOSOMAL DOMINANT. Identifiers: Orphanet 171445, MedGen C1836050, MONDO:0012289, OMIM 609524.

Submission:

Labcorp Genetics (formerly Invitae), Labcorp
Classification: Uncertain significance for Distal myopathy with posterior leg and anterior hand involvement; Myofibrillar myopathy 5; Hypertrophic cardiomyopathy 26. Last evaluated: 2024-04-18. Review status: criteria provided, single submitter. Criteria: Invitae Variant Classification Sherloc (09022015). Collection method: clinical testing. Allele origin: germline.
Comment: This sequence change replaces glycine, which is neutral and non-polar, with aspartic acid, which is acidic and polar, at codon 881 of the FLNC protein (p.Gly881Asp). This variant is not present in population databases (gnomAD no frequency). This variant has not been reported in the literature in individuals affected with FLNC-related conditions. An algorithm developed to predict the effect of missense changes on protein structure and function (PolyPhen-2) suggests that this variant is likely to be disruptive. In summary, the available evidence is currently insufficient to determine the role of this variant in disease. Therefore, it has been classified as a Variant of Uncertain Significance.

NM_001458.5(FLNC):c.2642G>A (p.Gly881Asp)

Gene: FLNC (filamin C; plus strand). Cytogenetic location: 7q32.1.
Variant type: single nucleotide variant.
Coding change: c.2642G>A on transcript NM_001458.5 (MANE Select); coding-DNA position 2642, G replaced by A.
Protein change: p.Gly881Asp; replaces glycine 881 with aspartic acid.
Molecular consequence: missense variant.
Genome position (GRCh38, 1-based): chr7:128,843,408, G>A. VCF-style: chr7-128843408-G-A. GRCh37 (hg19) VCF-style: chr7-128483462-G-A.
Other names: c.2642G>A, p.Gly881Asp (NM_001127487.2); short protein forms G881D.
Identifiers: ClinVar variation 3755937 (VCV003755937.2).